The following is an entry in ClinVar:

NM_004482.4(GALNT3):c.1334A>G (p.Asp445Gly)

Gene: GALNT3 (polypeptide N-acetylgalactosaminyltransferase 3; minus strand). Cytogenetic location: 2q24.3.
Variant type: single nucleotide variant.
Coding change: c.1334A>G on transcript NM_004482.4 (MANE Select); coding-DNA position 1334, A replaced by G.
Protein change: p.Asp445Gly; replaces aspartic acid 445 with glycine.
Molecular consequence: missense variant.
Genome position (GRCh38, 1-based): chr2:165,757,105, T>C on the plus strand (A>G on the coding strand, the complement: GALNT3 is on the minus strand). VCF-style: chr2-165757105-T-C. GRCh37 (hg19) VCF-style: chr2-166613615-T-C.
Other names: short protein forms D445G.
Identifiers: ClinVar variation 1502186 (VCV001502186.3), dbSNP rs772171197, ClinGen allele CA1940981.
Genomic context (GRCh38, chr2:165,757,105, plus strand): 5'-ACTTGTTTAACAATTTTTGCTGCATCTGTATTTCTCCTATAAAATATTTCCTTGTATTCA[T>C]CCATCCAGACTTCTGCAAGGCGAACTTGGTTTCTAGCAATCACCTGAGTGCCTTTTGGAA-3'
Protein context (NP_004473.2, residues 435-455): NQVRLAEVWM[Asp445Gly]EYKEIFYRRN

ClinVar aggregate classification (germline): Uncertain significance (1 of 4 stars; one submission).

Allele frequency attached by ClinVar (database versions not stated): ExAC 0.00001; gnomAD 0.00001; gnomAD exomes 0.00001 and 0.00002; TOPMed 0.00002.
gnomAD v4.1: 11 of 1,613,976 alleles (0.00068%); highest among the groups gnomAD compares: South Asian, 0.0066%; no homozygotes.

Submission:

Labcorp Genetics (formerly Invitae), Labcorp
Classification: Uncertain significance. Last evaluated: 2022-02-24. Review status: criteria provided, single submitter. Criteria: Invitae Variant Classification Sherloc (09022015). Collection method: clinical testing. Allele origin: germline.
Comment: This sequence change replaces aspartic acid, which is acidic and polar, with glycine, which is neutral and non-polar, at codon 445 of the GALNT3 protein (p.Asp445Gly). This variant is present in population databases (rs772171197, gnomAD 0.01%). This variant has not been reported in the literature in individuals affected with GALNT3-related conditions. Algorithms developed to predict the effect of missense changes on protein structure and function (SIFT, PolyPhen-2, Align-GVGD) all suggest that this variant is likely to be disruptive. Algorithms developed to predict the effect of sequence changes on RNA splicing suggest that this variant may disrupt the consensus splice site. In summary, the available evidence is currently insufficient to determine the role of this variant in disease. Therefore, it has been classified as a Variant of Uncertain Significance.